The following is an entry in ClinVar:

ClinVar aggregate classification (germline): Uncertain significance (1 of 4 stars; one submission).

gnomAD v4.1: 2 of 1,614,144 alleles (0.00012%); highest among the groups gnomAD compares: Non-Finnish European, 0.00017%; no homozygotes.

Submission:

Labcorp Genetics (formerly Invitae), Labcorp
Classification: Uncertain significance. Last evaluated: 2023-02-22. Review status: criteria provided, single submitter. Criteria: Invitae Variant Classification Sherloc (09022015). Collection method: clinical testing. Allele origin: germline.
Comment: In summary, the available evidence is currently insufficient to determine the role of this variant in disease. Therefore, it has been classified as a Variant of Uncertain Significance. Advanced modeling of protein sequence and biophysical properties (such as structural, functional, and spatial information, amino acid conservation, physicochemical variation, residue mobility, and thermodynamic stability) performed at Invitae indicates that this missense variant is not expected to disrupt JAK1 protein function. ClinVar contains an entry for this variant (Variation ID: 1430662). This variant has not been reported in the literature in individuals affected with JAK1-related conditions. This variant is not present in population databases (gnomAD no frequency). This sequence change replaces glutamic acid, which is acidic and polar, with glycine, which is neutral and non-polar, at codon 730 of the JAK1 protein (p.Glu730Gly).

NM_002227.4(JAK1):c.2189A>G (p.Glu730Gly)

Gene: JAK1 (Janus kinase 1; minus strand). Cytogenetic location: 1p31.3.
Variant type: single nucleotide variant.
Coding change: c.2189A>G on transcript NM_002227.4 (MANE Select); coding-DNA position 2189, A replaced by G.
Protein change: p.Glu730Gly; replaces glutamic acid 730 with glycine.
Molecular consequence: missense variant.
Genome position (GRCh38, 1-based): chr1:64,844,816, T>C on the plus strand (A>G on the coding strand, the complement: JAK1 is on the minus strand). VCF-style: chr1-64844816-T-C. GRCh37 (hg19) VCF-style: chr1-65310499-T-C.
Other names: c.2189A>G, p.Glu730Gly (NM_001321856.2, NM_001320923.2, NM_001321852.2 and 3 more transcripts); c.2186A>G, p.Glu729Gly (NM_001321857.2); short protein forms E730G, E729G.
Identifiers: ClinVar variation 1430662 (VCV001430662.6), dbSNP rs2100995083, ClinGen allele CA340666999.